The following is an entry in ClinVar:

ClinVar aggregate classification (germline): Benign/Likely benign. Review status: criteria provided, multiple submitters, no conflicts (2 of 4 stars). 4 submissions from 4 submitters: Benign (1); Likely benign (3). Last evaluated 2026-01-26.

Conditions:
Hereditary cancer-predisposing syndrome. Also called: Hereditary Cancer Syndrome; Hereditary neoplastic syndrome; Neoplastic Syndromes, Hereditary; Tumor predisposition. Identifiers: Orphanet 140162, MedGen C0027672, MeSH D009386, MONDO:0015356.
Familial cancer of breast. Also called: hereditary breast carcinoma; BREAST CANCER, FAMILIAL; Hereditary breast cancer. Identifiers: Orphanet 227535, MedGen C0346153, MONDO:0016419, OMIM 114480. Disease mechanism: loss of function.
Ataxia-telangiectasia syndrome (AT). Also called: Ataxia-telangiectasia, complementation group E; LOUIS-BAR SYNDROME; Cerebello-oculocutaneous telangiectasia; Immunodeficiency with ataxia telangiectasia; Ataxia-telangiectasia, complementation group D; AT, COMPLEMENTATION GROUP C. Identifiers: Orphanet 100, MedGen C0004135, MONDO:0008840, OMIM 208900.

Submissions (4):

Labcorp Genetics (formerly Invitae), Labcorp
Classification: Likely benign for Ataxia-telangiectasia syndrome. Last evaluated: 2026-01-26. Review status: criteria provided, single submitter. Criteria: Invitae Variant Classification Sherloc (09022015). Collection method: clinical testing. Allele origin: germline.

Myriad Genetics, Inc.
Classification: Benign for Familial cancer of breast. Last evaluated: 2024-04-26. Review status: criteria provided, single submitter. Criteria: Myriad Autosomal Dominant, Autosomal Recessive and X-Linked Classification Criteria (2023). Collection method: clinical testing. Allele origin: unknown.
Comment: This variant is considered benign. This variant is a silent/synonymous amino acid change and it is not expected to impact splicing.

Ambry Genetics
Classification: Likely benign for Hereditary cancer-predisposing syndrome. Last evaluated: 2020-11-14. Review status: criteria provided, single submitter. Criteria: Ambry Variant Classification Scheme 2023. Collection method: clinical testing. Allele origin: germline.

Color Diagnostics, LLC DBA Color Health
Classification: Likely benign for Hereditary cancer-predisposing syndrome. Last evaluated: 2020-01-15. Review status: criteria provided, single submitter. Criteria: ACMG Guidelines, 2015. Collection method: clinical testing. Allele origin: germline.

NM_000051.4(ATM):c.1251C>G (p.Thr417=)

Gene: ATM (ATM serine/threonine kinase; plus strand). Cytogenetic location: 11q22.3.
Variant type: single nucleotide variant.
Coding change: c.1251C>G on transcript NM_000051.4 (MANE Select); coding-DNA position 1251, C replaced by G.
Protein change: p.Thr417=; no amino-acid change (threonine 417 retained).
Molecular consequence: synonymous variant.
Genome position (GRCh38, 1-based): chr11:108,250,716, C>G. VCF-style: chr11-108250716-C-G. GRCh37 (hg19) VCF-style: chr11-108121443-C-G.
Other names: c.1251C>G, p.Thr417= (NM_001351834.2).
Identifiers: ClinVar variation 923618 (VCV000923618.13), dbSNP rs1555070643, ClinGen allele CA476671875.
Genomic context (GRCh38, chr11:108,250,716, plus strand): 5'-ATGTGATGGAATAGTTTTCAAATTATCCTTTTTTTTTTTTTTTAGGCTACAGATTGCAAC[C>G]CAATTAATATCAAAGTATCCTGCAAGTTTACCTAACTGTGAGCTGTCTCCATTACTGATG-3'
Protein context (NP_000042.3, residues 407-427): FDLVPWLQIA[Thr417=]QLISKYPASL